The following is an entry in ClinVar:

ClinVar aggregate classification (germline): Likely benign (1 of 4 stars; one submission).

Conditions:
CLN3-related disorder. Also called: CLN3-related condition. Identifiers: MedGen CN382248.

gnomAD v4.1: 15 of 1,612,842 alleles (0.00093%); highest among the groups gnomAD compares: South Asian, 0.015%; 1 homozygote.

Submission:

PreventionGenetics, part of Exact Sciences
Classification: Likely benign for CLN3-related condition. Last evaluated: 2025-05-28. Review status: criteria provided, single submitter. Criteria: ACMG Guidelines, 2015. Collection method: clinical testing. Allele origin: germline.
Comment: This variant is classified as likely benign based on ACMG/AMP sequence variant interpretation guidelines (Richards et al. 2015 PMID: 25741868, with internal and published modifications).

NM_001042432.2(CLN3):c.*7G>A

Gene: CLN3 (CLN3 lysosomal/endosomal transmembrane protein, battenin; minus strand). Cytogenetic location: 16p12.1.
Variant type: single nucleotide variant.
Coding change: c.*7G>A on transcript NM_001042432.2 (MANE Select); 7 bases downstream of the stop codon, G replaced by A.
Molecular consequence: 3 prime UTR variant.
Genome position (GRCh38, 1-based): chr16:28,477,509, C>T on the plus strand (G>A on the coding strand, the complement: CLN3 is on the minus strand). VCF-style: chr16-28477509-C-T. GRCh37 (hg19) VCF-style: chr16-28488830-C-T.
Other names: c.*7G>A (NM_000086.2, NM_001286104.2, NM_001286105.2 and 2 more transcripts).
Identifiers: ClinVar variation 4988177 (VCV004988177.1).